The following is an entry in ClinVar:

ClinVar aggregate classification (germline): Uncertain significance (1 of 4 stars; one submission).

Conditions:
Proline dehydrogenase deficiency (HYRPRO1). Also called: Hyperprolinemia type 1; PROLINE OXIDASE DEFICIENCY. Identifiers: Orphanet 419, MedGen C0268529, MONDO:0009400, OMIM 239500.

Submission:

Labcorp Genetics (formerly Invitae), Labcorp
Classification: Uncertain significance for Proline dehydrogenase deficiency. Last evaluated: 2024-02-19. Review status: criteria provided, single submitter. Criteria: Invitae Variant Classification Sherloc (09022015). Collection method: clinical testing. Allele origin: germline.
Comment: This sequence change replaces tryptophan, which is neutral and slightly polar, with leucine, which is neutral and non-polar, at codon 583 of the PRODH protein (p.Trp583Leu). This variant is not present in population databases (gnomAD no frequency). This variant has not been reported in the literature in individuals affected with PRODH-related conditions. Advanced modeling of protein sequence and biophysical properties (such as structural, functional, and spatial information, amino acid conservation, physicochemical variation, residue mobility, and thermodynamic stability) performed at Invitae indicates that this missense variant is not expected to disrupt PRODH protein function with a negative predictive value of 80%. In summary, the available evidence is currently insufficient to determine the role of this variant in disease. Therefore, it has been classified as a Variant of Uncertain Significance.

NM_016335.6(PRODH):c.1748G>T (p.Trp583Leu)

Gene: PRODH (proline dehydrogenase 1; minus strand). Cytogenetic location: 22q11.21.
Variant type: single nucleotide variant.
Coding change: c.1748G>T on transcript NM_016335.6 (MANE Select); coding-DNA position 1748, G replaced by T.
Protein change: p.Trp583Leu; replaces tryptophan 583 with leucine.
Molecular consequence: missense variant.
Genome position (GRCh38, 1-based): chr22:18,913,230, C>A on the plus strand (G>T on the coding strand, the complement: PRODH is on the minus strand). VCF-style: chr22-18913230-C-A. GRCh37 (hg19) VCF-style: chr22-18900743-C-A.
Other names: c.1424G>T, p.Trp475Leu (NM_001195226.2, NM_001368250.2); short protein forms W583L, W475L.
Identifiers: ClinVar variation 3007344 (VCV003007344.3), dbSNP rs2517446491, ClinGen allele CA410637692.